The following is an entry in ClinVar:

ClinVar aggregate classification (germline): Likely benign. Review status: criteria provided, multiple submitters, no conflicts (2 of 4 stars). 3 submissions from 3 submitters: Likely benign (2). 1 of the submissions does not count toward it. Last evaluated 2025-11-28.

Conditions:
WNT9B-related disorder. Also called: WNT9B-related condition.

Allele frequency attached by ClinVar (database versions not stated): TOPMed 0.00012; gnomAD 0.00013; gnomAD exomes 0.00016 and 0.00018; ExAC 0.00021.
gnomAD v4.1: 247 of 1,612,496 alleles (0.015%); highest among the groups gnomAD compares: South Asian, 0.13%; no homozygotes.

Submissions (3):

Labcorp Genetics (formerly Invitae), Labcorp
Classification: Likely benign. Last evaluated: 2025-11-28. Review status: criteria provided, single submitter. Criteria: Invitae Variant Classification Sherloc (09022015). Collection method: clinical testing. Allele origin: germline.

Breakthrough Genomics
Classification: Likely benign. Review status: criteria provided, single submitter. Criteria: ACMG Guidelines, 2015. Collection method: not provided. Allele origin: germline. Inheritance: Unknown mechanism. Affected: yes.

PreventionGenetics, part of Exact Sciences
Classification: Likely benign for WNT9B-related condition. Last evaluated: 2019-04-15. Review status: no assertion criteria provided. Collection method: clinical testing. Allele origin: germline. Not counted in ClinVar's aggregate classification.
Comment: This variant is classified as likely benign based on ACMG/AMP sequence variant interpretation guidelines (Richards et al. 2015 PMID: 25741868, with internal and published modifications).

NM_003396.3(WNT9B):c.162G>A (p.Gln54=)

Genes: LRRC37A2 (leucine rich repeat containing 37 member A2), WNT9B (Wnt family member 9B; plus strand). Cytogenetic location: 17q21.32.
Variant type: single nucleotide variant.
Coding change: c.162G>A on transcript NM_003396.3 (MANE Select); coding-DNA position 162, G replaced by A.
Protein change: p.Gln54=; no amino-acid change (glutamine 54 retained).
Molecular consequence: synonymous variant.
Genome position (GRCh38, 1-based): chr17:46,872,601, G>A. VCF-style: chr17-46872601-G-A. GRCh37 (hg19) VCF-style: chr17-44949967-G-A.
Other names: c.162G>A, p.Gln54= (NM_001320458.2); c.162G>A (NM_003396.2).
Identifiers: ClinVar variation 1570482 (VCV001570482.11), dbSNP rs200969361, ClinGen allele CA8620780.